The following is an entry in ClinVar:

NM_021815.5(SLC5A7):c.1415T>G (p.Ile472Arg)

Gene: SLC5A7 (solute carrier family 5 member 7; plus strand). Cytogenetic location: 2q12.3.
Variant type: single nucleotide variant.
Coding change: c.1415T>G on transcript NM_021815.5 (MANE Select); coding-DNA position 1415, T replaced by G.
Protein change: p.Ile472Arg; replaces isoleucine 472 with arginine.
Molecular consequence: missense variant.
Genome position (GRCh38, 1-based): chr2:108,010,533, T>G. VCF-style: chr2-108010533-T-G. GRCh37 (hg19) VCF-style: chr2-108626989-T-G.
Other names: c.1415T>G, p.Ile472Arg (NM_001305005.3); c.1100T>G, p.Ile367Arg (NM_001305006.3); c.674T>G, p.Ile225Arg (NM_001305007.3); short protein forms I225R, I367R, I472R.
Identifiers: ClinVar variation 1717752 (VCV001717752.6), dbSNP rs2467133345, ClinGen allele CA348114524.

ClinVar aggregate classification (germline): Uncertain significance (1 of 4 stars; one submission).

Conditions:
Congenital myasthenic syndrome 20. Also called: Myasthenic syndrome, congenital, 20, presynaptic. Identifiers: MedGen C4310694, MONDO:0014939, OMIM 617143.
Neuronopathy, distal hereditary motor, type 7A. Also called: HARPER-YOUNG MYOPATHY; HMN VIIA; NEURONOPATHY, DISTAL HEREDITARY MOTOR, HARDING TYPE VIIA; NEUROPATHY, DISTAL HEREDITARY MOTOR, HARDING TYPE VIIA; Neuronopathy, distal hereditary motor, autosomal dominant 7; Neuronopathy, distal hereditary motor, type viia. Identifiers: Orphanet 139589, MedGen C1834703, MONDO:0008024, OMIM 158580.

Submission:

Labcorp Genetics (formerly Invitae), Labcorp
Classification: Uncertain significance for Neuronopathy, distal hereditary motor, type 7A; Congenital myasthenic syndrome 20. Last evaluated: 2022-08-30. Review status: criteria provided, single submitter. Criteria: Invitae Variant Classification Sherloc (09022015). Collection method: clinical testing. Allele origin: germline.
Comment: In summary, the available evidence is currently insufficient to determine the role of this variant in disease. Therefore, it has been classified as a Variant of Uncertain Significance. Algorithms developed to predict the effect of missense changes on protein structure and function are either unavailable or do not agree on the potential impact of this missense change (SIFT: "Deleterious"; PolyPhen-2: "Benign"; Align-GVGD: "Class C0"). This variant has not been reported in the literature in individuals affected with SLC5A7-related conditions. This variant is not present in population databases (gnomAD no frequency). This sequence change replaces isoleucine, which is neutral and non-polar, with arginine, which is basic and polar, at codon 472 of the SLC5A7 protein (p.Ile472Arg).